The following is an entry in ClinVar:

NM_019098.5(CNGB3):c.112C>T (p.Gln38Ter)

Gene: CNGB3 (cyclic nucleotide gated channel subunit beta 3; minus strand). Cytogenetic location: 8q21.3.
Variant type: single nucleotide variant.
Coding change: c.112C>T on transcript NM_019098.5 (MANE Select); coding-DNA position 112, C replaced by T.
Protein change: p.Gln38Ter; replaces glutamine 38 with a stop codon.
Molecular consequence: nonsense.
Genome position (GRCh38, 1-based): chr8:86,743,516, G>A on the plus strand (C>T on the coding strand, the complement: CNGB3 is on the minus strand). VCF-style: chr8-86743516-G-A. GRCh37 (hg19) VCF-style: chr8-87755744-G-A.
Other names: short protein forms Q38*.
Identifiers: ClinVar variation 188828 (VCV000188828.11), dbSNP rs786204498, ClinGen allele CA274009.

ClinVar aggregate classification (germline): Pathogenic. Review status: criteria provided, multiple submitters, no conflicts (2 of 4 stars). 5 submissions from 4 submitters: Pathogenic (3). 2 of the submissions do not count toward it. Last evaluated 2025-04-23.

Conditions:
Achromatopsia. Also called: Rod monochromatism. Identifiers: Orphanet 49382, MedGen C0152200, MONDO:0018852, HP:0011516.
Achromatopsia 3 (ACHM3). Also called: ACHROMATOPSIA WITH MYOPIA; PINGELAPESE BLINDNESS; TOTAL COLORBLINDNESS WITH MYOPIA; ROD MONOCHROMACY 1; ROD MONOCHROMATISM 1. Identifiers: Orphanet 49382, MedGen C1849792, MONDO:0009875, OMIM 262300.

Submissions (5):

Labcorp Genetics (formerly Invitae), Labcorp
Classification: Pathogenic. Last evaluated: 2025-04-23. Review status: criteria provided, single submitter. Criteria: Invitae Variant Classification Sherloc (09022015). Collection method: clinical testing. Allele origin: germline.
Comment: This sequence change creates a premature translational stop signal (p.Gln38*) in the CNGB3 gene. It is expected to result in an absent or disrupted protein product. Loss-of-function variants in CNGB3 are known to be pathogenic (PMID: 28795510). This variant is not present in population databases (gnomAD no frequency). This premature translational stop signal has been observed in individual(s) with achrompatopsia (PMID: 15657609, 28795510, 30418171). In at least one individual the data is consistent with being in trans (on the opposite chromosome) from a pathogenic variant. ClinVar contains an entry for this variant (Variation ID: 188828). Algorithms developed to predict the effect of sequence changes on RNA splicing suggest that this variant may disrupt the consensus splice site. For these reasons, this variant has been classified as Pathogenic.

GeneDx
Classification: Pathogenic. Last evaluated: 2024-11-08. Review status: criteria provided, single submitter. Criteria: GeneDx Variant Classification Process June 2021. Collection method: clinical testing. Allele origin: germline. Affected: yes.
Comment: Nonsense variant predicted to result in protein truncation or nonsense mediated decay in a gene for which loss of function is a known mechanism of disease; Not observed at significant frequency in large population cohorts (gnomAD); This variant is associated with the following publications: (PMID: 15657609, 30418171, 16319819)

Molecular Genetics Laboratory, Institute for Ophthalmic Research
Classification: Pathogenic for Achromatopsia. Last evaluated: 2018-03-20. Review status: criteria provided, single submitter. Criteria: ACMG Guidelines, 2015. Collection method: research. Allele origin: germline. Affected: yes.

Molecular Genetics Laboratory, Institute for Ophthalmic Research
Classification: Pathogenic for ACHM3. Last evaluated: 2017-03-27. Review status: no assertion criteria provided. Collection method: research. Allele origin: germline. Affected: yes. Not counted in ClinVar's aggregate classification.

Counsyl
Classification: Likely pathogenic for Achromatopsia 3. Last evaluated: 2014-06-11. Review status: no assertion criteria provided. Collection method: literature only. Allele origin: unknown. Inheritance: Autosomal recessive inheritance. Not counted in ClinVar's aggregate classification.

Literature cited by the submitters: PubMed 28795510 (cited by Labcorp Genetics (formerly Invitae), Labcorp and Molecular Genetics Laboratory, Institute for Ophthalmic Research); PubMed 15657609 (cited by Labcorp Genetics (formerly Invitae), Labcorp and Counsyl); PubMed 30418171 (cited by Labcorp Genetics (formerly Invitae), Labcorp); PubMed 16319819 (cited by Counsyl).